The following is an entry in ClinVar:

ClinVar aggregate classification (germline): Uncertain significance. Review status: criteria provided, multiple submitters, no conflicts (2 of 4 stars). 3 submissions from 3 submitters: Uncertain significance (3). Last evaluated 2024-04-15.

Conditions:
Glycogen storage disease, type V (GSD5). Also called: McArdle type glycogen storage disease; MCARDLE DISEASE; MUSCLE GLYCOGEN PHOSPHORYLASE DEFICIENCY; MYOPHOSPHORYLASE DEFICIENCY; PYGM DEFICIENCY. Identifiers: Orphanet 368, MedGen C0017924, MONDO:0009293, OMIM 232600.

Allele frequency attached by ClinVar (database versions not stated): gnomAD exomes 0.00002 and 0.00005; ExAC 0.00003; gnomAD 0.00005; TOPMed 0.00005.
gnomAD v4.1: 79 of 1,608,310 alleles (0.0049%); highest among the groups gnomAD compares: African/African-American, 0.0067%; no homozygotes.

Submissions (3):

Labcorp Genetics (formerly Invitae), Labcorp
Classification: Uncertain significance for Glycogen storage disease, type V. Last evaluated: 2024-04-15. Review status: criteria provided, single submitter. Criteria: Invitae Variant Classification Sherloc (09022015). Collection method: clinical testing. Allele origin: germline.
Comment: This sequence change replaces lysine, which is basic and polar, with arginine, which is basic and polar, at codon 470 of the PYGM protein (p.Lys470Arg). This variant is present in population databases (rs754940511, gnomAD 0.008%). This variant has not been reported in the literature in individuals affected with PYGM-related conditions. ClinVar contains an entry for this variant (Variation ID: 1307303). Advanced modeling of protein sequence and biophysical properties (such as structural, functional, and spatial information, amino acid conservation, physicochemical variation, residue mobility, and thermodynamic stability) performed at Invitae indicates that this missense variant is not expected to disrupt PYGM protein function with a negative predictive value of 95%. In summary, the available evidence is currently insufficient to determine the role of this variant in disease. Therefore, it has been classified as a Variant of Uncertain Significance.

Revvity Omics, Revvity
Classification: Uncertain significance for Glycogen storage disease, type V. Last evaluated: 2021-02-03. Review status: criteria provided, single submitter. Criteria: ACMG Guidelines, 2015. Collection method: clinical testing. Allele origin: germline.

GeneDx
Classification: Uncertain significance. Last evaluated: 2019-07-29. Review status: criteria provided, single submitter. Criteria: GeneDx Variant Classification Process June 2021. Collection method: clinical testing. Allele origin: germline. Affected: yes.
Comment: Not observed at a significant frequency in large population cohorts (Lek et al., 2016); The majority of missense variants in this gene are considered pathogenic (Stenson et al., 2014); In silico analysis, which includes protein predictors and evolutionary conservation, supports that this variant does not alter protein structure/function; Has not been previously published as pathogenic or benign to our knowledge

NM_005609.4(PYGM):c.1409A>G (p.Lys470Arg)

Gene: PYGM (glycogen phosphorylase, muscle associated; minus strand). Cytogenetic location: 11q13.1.
Variant type: single nucleotide variant.
Coding change: c.1409A>G on transcript NM_005609.4 (MANE Select); coding-DNA position 1409, A replaced by G.
Protein change: p.Lys470Arg; replaces lysine 470 with arginine.
Molecular consequence: missense variant.
Genome position (GRCh38, 1-based): chr11:64,753,182, T>C on the plus strand (A>G on the coding strand, the complement: PYGM is on the minus strand). VCF-style: chr11-64753182-T-C. GRCh37 (hg19) VCF-style: chr11-64520654-T-C.
Other names: c.1145A>G, p.Lys382Arg (NM_001164716.1); short protein forms K382R, K470R.
Identifiers: ClinVar variation 1307303 (VCV001307303.5), dbSNP rs754940511, ClinGen allele CA6079860.